The following is an entry in ClinVar:

NM_000222.3(KIT):c.628_629delinsTT (p.Ala210Phe)

Gene: KIT (KIT proto-oncogene, receptor tyrosine kinase; plus strand). Cytogenetic location: 4q12.
Variant type: Indel.
Coding change: c.628_629delinsTT on transcript NM_000222.3 (MANE Select); coding-DNA positions 628 to 629, GC replaced by TT.
Protein change: p.Ala210Phe; replaces alanine 210 with phenylalanine.
Molecular consequence: missense variant.
Genome position (GRCh38, 1-based): chr4:54,699,638-54,699,639, GC replaced by TT. VCF-style: chr4-54699638-GC-TT. GRCh37 (hg19) VCF-style: chr4-55565804-GC-TT.
Other names: c.628_629delinsTT, p.Ala210Phe (NM_001093772.2, NM_001385284.1, NM_001385285.1 and 4 more transcripts); short protein forms A210F.
Identifiers: ClinVar variation 4093196 (VCV004093196.1).

ClinVar aggregate classification (germline): Uncertain significance (1 of 4 stars; one submission).

Conditions:
Hereditary cancer-predisposing syndrome. Also called: Tumor predisposition; Neoplastic Syndromes, Hereditary; Hereditary neoplastic syndrome; Hereditary Cancer Syndrome. Identifiers: Orphanet 140162, MedGen C0027672, MeSH D009386, MONDO:0015356.

Submission:

Ambry Genetics
Classification: Uncertain significance for Hereditary cancer-predisposing syndrome. Last evaluated: 2025-09-12. Review status: criteria provided, single submitter. Criteria: Ambry Variant Classification Scheme 2023. Collection method: clinical testing. Allele origin: germline.
Comment: The c.628_629delGCinsTT variant (also known as p.A210F), located in coding exon 4 of the KIT gene, results from an in-frame deletion of GC and insertion of TT at nucleotide positions 628 to 629. This results in the substitution of the alanine residue for a phenylalanine residue at codon 210, an amino acid with dissimilar properties. This amino acid position is well conserved in available vertebrate species. In addition, this variant is predicted to be neutral by in silico analysis (Choi Y et al. PLoS ONE. 2012; 7(10):e46688). Based on the available evidence, the clinical significance of this variant remains unclear.